The following is an entry in ClinVar:

ClinVar aggregate classification (germline): Uncertain significance (1 of 4 stars; one submission).

Allele frequency attached by ClinVar (database versions not stated): gnomAD exomes 0.00001.
gnomAD v4.1: 7 of 1,613,812 alleles (0.00043%); highest among the groups gnomAD compares: Admixed American, 0.0067%; no homozygotes.

Submission:

Labcorp Genetics (formerly Invitae), Labcorp
Classification: Uncertain significance. Last evaluated: 2022-07-19. Review status: criteria provided, single submitter. Criteria: Invitae Variant Classification Sherloc (09022015). Collection method: clinical testing. Allele origin: germline.
Comment: This sequence change replaces lysine, which is basic and polar, with glutamine, which is neutral and polar, at codon 319 of the PAX1 protein (p.Lys319Gln). This variant is present in population databases (no rsID available, gnomAD 0.006%). This variant has not been reported in the literature in individuals affected with PAX1-related conditions. ClinVar contains an entry for this variant (Variation ID: 1501339). Algorithms developed to predict the effect of missense changes on protein structure and function are either unavailable or do not agree on the potential impact of this missense change (SIFT: "Deleterious"; PolyPhen-2: "Probably Damaging"; Align-GVGD: "Class C0"). Algorithms developed to predict the effect of sequence changes on RNA splicing suggest that this variant may create or strengthen a splice site. In summary, the available evidence is currently insufficient to determine the role of this variant in disease. Therefore, it has been classified as a Variant of Uncertain Significance.

NM_001257096.2(PAX1):c.955A>C (p.Lys319Gln)

Gene: PAX1 (paired box 1; plus strand). Cytogenetic location: 20p11.22.
Variant type: single nucleotide variant.
Coding change: c.955A>C on transcript NM_001257096.2 (MANE Select); coding-DNA position 955, A replaced by C.
Protein change: p.Lys319Gln; replaces lysine 319 with glutamine.
Molecular consequence: missense variant.
Genome position (GRCh38, 1-based): chr20:21,708,596, A>C. VCF-style: chr20-21708596-A-C. GRCh37 (hg19) VCF-style: chr20-21689234-A-C.
Other names: c.955A>C, p.Lys319Gln (NM_006192.5); short protein forms K319Q.
Identifiers: ClinVar variation 1501339 (VCV001501339.6), dbSNP rs887701918, ClinGen allele CA313027653.